The following is an entry in ClinVar:

ClinVar aggregate classification (germline): Uncertain significance (1 of 4 stars; one submission).

Conditions:
Duchenne muscular dystrophy (DMD). Also called: Duchenne Muscular Dystrophy (DMD); MUSCULAR DYSTROPHY, PSEUDOHYPERTROPHIC PROGRESSIVE, DUCHENNE TYPE. Identifiers: Orphanet 98896, MedGen C0013264, MONDO:0010679, OMIM 310200.

Submission:

Labcorp Genetics (formerly Invitae), Labcorp
Classification: Uncertain significance for Duchenne muscular dystrophy. Last evaluated: 2021-08-04. Review status: criteria provided, single submitter. Criteria: Invitae Variant Classification Sherloc (09022015). Collection method: clinical testing. Allele origin: germline.
Comment: This variant results in a copy number gain of the genomic region encompassing exon(s) 59-61 of the DMD gene. While the exact position of this variant cannot be determined from the data, sub-genic copy number gains are generally in tandem (PMID: 25640679). This variant is predicted to be in-frame, and likely preserves the integrity of the reading frame. This variant has not been reported in the literature in individuals affected with DMD-related conditions. In summary, the available evidence is currently insufficient to determine the role of this variant in disease. Therefore, it has been classified as a Variant of Uncertain Significance.

Literature cited by the submitters: PubMed 25640679.

NC_000023.10:g.(?_31366653)_(31496511_?)dup

Gene: DMD (dystrophin; minus strand). Cytogenetic location: Xp21.2.
Variant type: Duplication.
Identifiers: ClinVar variation 1443353 (VCV001443353.5).